The following is an entry in ClinVar:

ClinVar aggregate classification (germline): Uncertain significance (1 of 4 stars; one submission).

Submission:

Labcorp Genetics (formerly Invitae), Labcorp
Classification: Uncertain significance. Last evaluated: 2025-01-06. Review status: criteria provided, single submitter. Criteria: Invitae Variant Classification Sherloc (09022015). Collection method: clinical testing. Allele origin: germline.
Comment: This sequence change replaces arginine, which is basic and polar, with methionine, which is neutral and non-polar, at codon 1421 of the CACNA1D protein (p.Arg1421Met). This variant also falls at the last nucleotide of exon 35, which is part of the consensus splice site for this exon. This variant is not present in population databases (gnomAD no frequency). This variant has not been reported in the literature in individuals affected with CACNA1D-related conditions. An algorithm developed to predict the effect of missense changes on protein structure and function (PolyPhen-2) suggests that this variant is likely to be disruptive. Variants that disrupt the consensus splice site are a relatively common cause of aberrant splicing (PMID: 17576681, 9536098). Algorithms developed to predict the effect of sequence changes on RNA splicing suggest that this variant may disrupt the consensus splice site. In summary, the available evidence is currently insufficient to determine the role of this variant in disease. Therefore, it has been classified as a Variant of Uncertain Significance.

Literature cited by the submitters: PubMed 17576681; PubMed 9536098.

NM_001128840.3(CACNA1D):c.4202G>T (p.Arg1401Met)

Gene: CACNA1D (calcium voltage-gated channel subunit alpha1 D; plus strand). Cytogenetic location: 3p21.1.
Variant type: single nucleotide variant.
Coding change: c.4202G>T on transcript NM_001128840.3 (MANE Select); coding-DNA position 4202, G replaced by T.
Protein change: p.Arg1401Met; replaces arginine 1401 with methionine.
Molecular consequence: missense variant.
Genome position (GRCh38, 1-based): chr3:53,774,678, G>T. VCF-style: chr3-53774678-G-T. GRCh37 (hg19) VCF-style: chr3-53808705-G-T.
Other names: c.4262G>T, p.Arg1421Met (NM_000720.4); c.4157G>T, p.Arg1386Met (NM_001128839.3); short protein forms R1386M, R1401M, R1421M.
Identifiers: ClinVar variation 3726796 (VCV003726796.2).